The following is an entry in ClinVar:

NM_022039.4(FBXW4):c.1562G>A (p.Arg521Gln)

Gene: FBXW4 (F-box and WD repeat domain containing 4; minus strand). Cytogenetic location: 10q24.32.
Variant type: single nucleotide variant.
Coding change: c.1562G>A on transcript NM_022039.4 (MANE Select); coding-DNA position 1562, G replaced by A.
Protein change: p.Arg521Gln; replaces arginine 521 with glutamine.
Molecular consequence: missense variant. On other transcripts: non-coding transcript variant (1).
Genome position (GRCh38, 1-based): chr10:101,611,650, C>T on the plus strand (G>A on the coding strand, the complement: FBXW4 is on the minus strand). VCF-style: chr10-101611650-C-T. GRCh37 (hg19) VCF-style: chr10-103371407-C-T.
Other names: c.836G>A, p.Arg279Gln (NM_001323541.2); short protein forms R279Q, R521Q.
Identifiers: ClinVar variation 2599446 (VCV002599446.5), dbSNP rs749692949, ClinGen allele CA5657207.

ClinVar aggregate classification (germline): Uncertain significance. Review status: criteria provided, multiple submitters, no conflicts (2 of 4 stars). 2 submissions from 2 submitters: Uncertain significance (2). Last evaluated 2024-07-23.

Allele frequency attached by ClinVar (database versions not stated): gnomAD 0.00003; TOPMed 0.00003; ExAC 0.00004.
gnomAD v4.1: 112 of 1,614,042 alleles (0.0069%); highest among the groups gnomAD compares: Non-Finnish European, 0.009%; no homozygotes.

Submissions (2):

Labcorp Genetics (formerly Invitae), Labcorp
Classification: Uncertain significance. Last evaluated: 2024-07-23. Review status: criteria provided, single submitter. Criteria: Invitae Variant Classification Sherloc (09022015). Collection method: clinical testing. Allele origin: germline.
Comment: This sequence change replaces arginine, which is basic and polar, with glutamine, which is neutral and polar, at codon 366 of the FBXW4 protein (p.Arg366Gln). This variant is present in population databases (rs749692949, gnomAD 0.006%). This variant has not been reported in the literature in individuals affected with FBXW4-related conditions. ClinVar contains an entry for this variant (Variation ID: 2599446). An algorithm developed to predict the effect of missense changes on protein structure and function (PolyPhen-2) suggests that this variant is likely to be tolerated. In summary, the available evidence is currently insufficient to determine the role of this variant in disease. Therefore, it has been classified as a Variant of Uncertain Significance.

Ambry Genetics
Classification: Uncertain significance. Last evaluated: 2023-08-04. Review status: criteria provided, single submitter. Criteria: Ambry Variant Classification Scheme 2023. Collection method: clinical testing. Allele origin: germline.